The following is an entry in ClinVar:

NM_015278.5(SASH1):c.3519C>T (p.Pro1173=)

Gene: SASH1 (SAM and SH3 domain containing 1; plus strand). Cytogenetic location: 6q25.1.
Variant type: single nucleotide variant.
Coding change: c.3519C>T on transcript NM_015278.5 (MANE Select); coding-DNA position 3519, C replaced by T.
Protein change: p.Pro1173=; no amino-acid change (proline 1173 retained).
Molecular consequence: synonymous variant.
Genome position (GRCh38, 1-based): chr6:148,548,333, C>T. VCF-style: chr6-148548333-C-T. GRCh37 (hg19) VCF-style: chr6-148869469-C-T.
Other names: c.3384C>T, p.Pro1128= (NM_001346505.2); c.3147C>T, p.Pro1049= (NM_001346506.2); c.2802C>T, p.Pro934= (NM_001346507.2); c.3291C>T, p.Pro1097= (NM_001346508.2); c.3168C>T, p.Pro1056= (NM_001346509.2).
Identifiers: ClinVar variation 3048953 (VCV003048953.3), dbSNP rs111485793, ClinGen allele CA4040902.

ClinVar aggregate classification (germline): Likely benign. Review status: criteria provided, single submitter (1 of 4 stars). 2 submissions from 2 submitters: Likely benign (1). 1 of the submissions does not count toward it. Last evaluated 2024-06-27.

Conditions:
SASH1-related disorder. Also called: SASH1-related condition.

Allele frequency attached by ClinVar (database versions not stated): gnomAD exomes 0.00012; ExAC 0.00033; ESP Exome Variant Server 0.00077; TOPMed 0.00084; gnomAD 0.00085; 1000 Genomes Project 30x 0.00187; 1000 Genomes Project 0.00200.
gnomAD v4.1: 333 of 1,613,646 alleles (0.021%); highest among the groups gnomAD compares: African/African-American, 0.32%; 1 homozygote.

Submissions (2):

Blueprint Genetics
Classification: Likely benign. Last evaluated: 2024-06-27. Review status: criteria provided, single submitter. Criteria: ACMG Guidelines, 2015. Collection method: clinical testing. Allele origin: germline.

PreventionGenetics, part of Exact Sciences
Classification: Likely benign for SASH1-related condition. Last evaluated: 2019-11-25. Review status: no assertion criteria provided. Collection method: clinical testing. Allele origin: germline. Not counted in ClinVar's aggregate classification.
Comment: This variant is classified as likely benign based on ACMG/AMP sequence variant interpretation guidelines (Richards et al. 2015 PMID: 25741868, with internal and published modifications).